The following is an entry in ClinVar:

ClinVar aggregate classification (germline): Uncertain significance (1 of 4 stars; one submission).

Conditions:
Neurodevelopmental disorder with or without early-onset generalized epilepsy. Identifiers: MedGen C5436914, MONDO:0030930, OMIM 619157.

Submission:

Laboratoire Génétique Moléculaire, CHRU TOURS
Classification: Uncertain significance for Neurodevelopmental disorder with or without early-onset generalized epilepsy. Last evaluated: 2024-05-16. Review status: criteria provided, single submitter. Criteria: ACMG Guidelines, 2015. Collection method: clinical testing. Allele origin: maternal.
Comment: PVS1;PM2

NM_001385012.1(NBEA):c.4827_4828dup (p.Thr1610fs)

Gene: NBEA (neurobeachin; plus strand). Cytogenetic location: 13q13.3.
Variant type: Duplication.
Coding change: c.4827_4828dup on transcript NM_001385012.1 (MANE Select); coding-DNA positions 4827 to 4828, 2 bases duplicated (TA; older notation c.4827_4828dupTA).
Protein change: p.Thr1610fs; shifts the reading frame from threonine 1610.
Molecular consequence: frameshift variant.
Genome position (GRCh38, 1-based): chr13:35,182,524-35,182,525, TA duplicated. VCF-style (leftmost placement, unchanged base first): chr13-35182523-G-GTA. GRCh37 (hg19) VCF-style: chr13-35756660-G-GTA.
Other names: c.4818_4819dup, p.Thr1607fs (NM_001379245.1); c.4827_4828dup, p.Thr1610fs (NM_015678.5); short protein forms T1607fs, T1610fs.
Identifiers: ClinVar variation 4294380 (VCV004294380.1).